The following is an entry in ClinVar:

NM_001308093.3(GATA4):c.*1165G>A

Gene: GATA4 (GATA binding protein 4). Cytogenetic location: 8p23.1.
Variant type: single nucleotide variant.
Coding change: c.*1165G>A on transcript NM_001308093.3 (MANE Select); 1165 bases downstream of the stop codon, G replaced by A.
Molecular consequence: 3 prime UTR variant.
Genome position (GRCh38, 1-based): chr8:11,759,640, G>A. VCF-style: chr8-11759640-G-A. GRCh37 (hg19) VCF-style: chr8-11617149-G-A.
Other names: c.*1165G>A (NM_001308094.2, NM_001374273.1, NM_001374274.1 and 1 more transcripts).
Identifiers: ClinVar variation 3354683 (VCV003354683.1).
Genomic context (GRCh38, chr8:11,759,640, plus strand): 5'-AACAAACACAACACAACAGAATTCCTGGAAAGAAGACGACTGCTAAGACACGGCAGGGGG[G>A]CCTGGAGGGAGCCTCCGACTCTGAGCTGCTCCGGGATCTGCCGCGTTCTCCTCTGCACAT-3'

ClinVar aggregate classification (germline): Likely benign (0 of 4 stars; one submission).

Conditions:
GATA4-related disorder. Also called: GATA4-related condition. Identifiers: MedGen CN860321.

Submission:

PreventionGenetics, part of Exact Sciences
Classification: Likely benign for GATA4-related condition. Last evaluated: 2024-05-29. Review status: no assertion criteria provided. Collection method: clinical testing. Allele origin: germline.
Comment: This variant is classified as likely benign based on ACMG/AMP sequence variant interpretation guidelines (Richards et al. 2015 PMID: 25741868, with internal and published modifications).